The following is an entry in ClinVar:

NM_001814.6(CTSC):c.815G>A (p.Arg272His)

Gene: CTSC (cathepsin C; minus strand). Cytogenetic location: 11q14.2.
Variant type: single nucleotide variant.
Coding change: c.815G>A on transcript NM_001814.6 (MANE Select); coding-DNA position 815, G replaced by A.
Protein change: p.Arg272His; replaces arginine 272 with histidine.
Molecular consequence: missense variant.
Genome position (GRCh38, 1-based): chr11:88,296,207, C>T on the plus strand (G>A on the coding strand, the complement: CTSC is on the minus strand). VCF-style: chr11-88296207-C-T. GRCh37 (hg19) VCF-style: chr11-88029375-C-T.
Other names: c.815G>A (LRG_50t1); short protein forms R272H.
Identifiers: ClinVar variation 139656 (VCV000139656.16), dbSNP rs587777534, ClinGen allele CA163392.

ClinVar aggregate classification (germline): Pathogenic/Likely pathogenic. Review status: criteria provided, multiple submitters, no conflicts (2 of 4 stars). 3 submissions from 3 submitters: Pathogenic (1); Likely pathogenic (1). 1 of the submissions does not count toward it. Last evaluated 2025-04-03.

Conditions:
Periodontitis, aggressive. Identifiers: MedGen C0031106, MONDO:0980757.
Papillon-Lefèvre syndrome (PALS). Also called: KERATOSIS PALMOPLANTARIS WITH PERIODONTOPATHIA; Papillon-Lefevre Disease. Identifiers: Orphanet 678, MedGen C0030360, MONDO:0009490, OMIM 245000.
Haim-Munk syndrome (HMS). Also called: COCHIN JEWISH DISORDER; KERATOSIS PALMOPLANTARIS WITH PERIODONTOPATHIA AND ONYCHOGRYPOSIS. Identifiers: Orphanet 2342, MedGen C1855627, MONDO:0009491, OMIM 245010.

Allele frequency attached by ClinVar (database versions not stated): TOPMed 0.00001; gnomAD 0.00003.
gnomAD v4.1: 17 of 1,613,938 alleles (0.0011%); highest among the groups gnomAD compares: Non-Finnish European, 0.0014%; no homozygotes.

Submissions (3):

Labcorp Genetics (formerly Invitae), Labcorp
Classification: Pathogenic for Haim-Munk syndrome; Periodontitis, aggressive; Papillon-Lefèvre syndrome. Last evaluated: 2025-04-03. Review status: criteria provided, single submitter. Criteria: Invitae Variant Classification Sherloc (09022015). Collection method: clinical testing. Allele origin: germline.
Comment: This sequence change replaces arginine, which is basic and polar, with histidine, which is basic and polar, at codon 272 of the CTSC protein (p.Arg272His). This variant is present in population databases (rs587777534, gnomAD 0.002%). This missense change has been observed in individual(s) with prepubertal periodontitis (PMID: 14974080, 34515563). In at least one individual the data is consistent with being in trans (on the opposite chromosome) from a pathogenic variant. It has also been observed to segregate with disease in related individuals. ClinVar contains an entry for this variant (Variation ID: 139656). Invitae Evidence Modeling of protein sequence and biophysical properties (such as structural, functional, and spatial information, amino acid conservation, physicochemical variation, residue mobility, and thermodynamic stability) indicates that this missense variant is expected to disrupt CTSC protein function with a positive predictive value of 80%. This variant disrupts the p.Arg272 amino acid residue in CTSC. Other variant(s) that disrupt this residue have been determined to be pathogenic (PMID: 14974080, 15585850, 19816003). This suggests that this residue is clinically significant, and that variants that disrupt this residue are likely to be disease-causing. For these reasons, this variant has been classified as Pathogenic.

Laboratory for Molecular Medicine, Mass General Brigham Personalized Medicine
Classification: Likely pathogenic for Papillon-LefÃ¨vre syndrome. Last evaluated: 2018-12-13. Review status: criteria provided, single submitter. Criteria: LMM Criteria. Collection method: clinical testing. Allele origin: germline. Inheritance: Autosomal recessive inheritance. Observed: 1 variant allele.
Comment: The p.Arg272His variant in CTSC has been reported in the compound heterozygous s tate with another missense variant in 1 individual with isolated prepubertal per iodontitis (PPP), which is a feature of Papillon-Lefevre syndrome (PLS; Hewitt 2004). This individual had significantly reduced enzyme activity as compared to both a carrier parent and a control individual (Hewitt 2004). The p.Arg272His ha s been identified in 2/129168 of European chromosomes by gnomAD. Computational prediction tools and conservation analysis do not provide strong support for or against an impact to the protein. The majority of pathogenic missense variants in CTSC occur within exons 5-7 where the p.Arg2 72His variant is located. In addition, another variant involving this codon, p.A rg272Pro, is one of the most frequently reported pathogenic missense variants in individuals with Papillon-Lefevre syndrome (Nagy 2014). In summary, although ad ditional studies are required to fully establish its clinical significance, this variant meets criteria to be classified as likely pathogenic for Papillon-Lefevre syndrome in an autosomal recessive manner. ACMG/AMP criteria applied: PM2, PM 5, PS3_Supporting, PM3_Supporting.

OMIM
Classification: Pathogenic for PERIODONTITIS, AGGRESSIVE, 1. Last evaluated: 2004-03-01. Review status: no assertion criteria provided. Collection method: literature only. Allele origin: germline. Not counted in ClinVar's aggregate classification.

Literature cited by the submitters: PubMed 14974080 (cited by 3 submitters); PubMed 34515563 (cited by Labcorp Genetics (formerly Invitae), Labcorp); PubMed 15585850 (cited by Labcorp Genetics (formerly Invitae), Labcorp); PubMed 19816003 (cited by Labcorp Genetics (formerly Invitae), Labcorp); PubMed 24936511 (cited by Laboratory for Molecular Medicine, Mass General Brigham Personalized Medicine).